The following is an entry in ClinVar:

NM_001253697.2(ERBIN):c.2021G>T (p.Ser674Ile)

Gene: ERBIN (erbb2 interacting protein; plus strand). Cytogenetic location: 5q12.3.
Variant type: single nucleotide variant.
Coding change: c.2021G>T on transcript NM_001253697.2 (MANE Select); coding-DNA position 2021, G replaced by T.
Protein change: p.Ser674Ile; replaces serine 674 with isoleucine.
Molecular consequence: missense variant.
Genome position (GRCh38, 1-based): chr5:66,050,900, G>T. VCF-style: chr5-66050900-G-T. GRCh37 (hg19) VCF-style: chr5-65346728-G-T.
Other names: c.2021G>T, p.Ser674Ile (NM_001006600.3, NM_001253698.2, NM_001253699.2 and 1 more transcripts); c.2009G>T, p.Ser670Ile (NM_001253701.2); short protein forms S674I, S670I.
Identifiers: ClinVar variation 2871554 (VCV002871554.3), dbSNP rs756461889, ClinGen allele CA359863957.

ClinVar aggregate classification (germline): Uncertain significance (1 of 4 stars; one submission).

gnomAD v4.1: 6 of 1,606,046 alleles (0.00037%); highest among the groups gnomAD compares: Non-Finnish European, 0.00051%; no homozygotes.

Submission:

Labcorp Genetics (formerly Invitae), Labcorp
Classification: Uncertain significance. Last evaluated: 2024-11-08. Review status: criteria provided, single submitter. Criteria: Invitae Variant Classification Sherloc (09022015). Collection method: clinical testing. Allele origin: germline.
Comment: This sequence change replaces serine, which is neutral and polar, with isoleucine, which is neutral and non-polar, at codon 674 of the ERBIN protein (p.Ser674Ile). This variant is not present in population databases (gnomAD no frequency). This variant has not been reported in the literature in individuals affected with ERBIN-related conditions. ClinVar contains an entry for this variant (Variation ID: 2871554). An algorithm developed to predict the effect of missense changes on protein structure and function (PolyPhen-2) suggests that this variant is likely to be disruptive. In summary, the available evidence is currently insufficient to determine the role of this variant in disease. Therefore, it has been classified as a Variant of Uncertain Significance.